The following is an entry in ClinVar:

NM_014140.4(SMARCAL1):c.1453G>T (p.Val485Leu)

Gene: SMARCAL1 (SNF2 related chromatin remodeling annealing helicase 1; plus strand). Cytogenetic location: 2q35.
Variant type: single nucleotide variant.
Coding change: c.1453G>T on transcript NM_014140.4 (MANE Select); coding-DNA position 1453, G replaced by T.
Protein change: p.Val485Leu; replaces valine 485 with leucine.
Molecular consequence: missense variant.
Genome position (GRCh38, 1-based): chr2:216,432,836, G>T. VCF-style: chr2-216432836-G-T. GRCh37 (hg19) VCF-style: chr2-217297559-G-T.
Other names: c.1453G>T, p.Val485Leu (NM_001127207.2); short protein forms V485L.
Identifiers: ClinVar variation 662879 (VCV000662879.8), dbSNP rs1574456834, ClinGen allele CA350500213.

ClinVar aggregate classification (germline): Uncertain significance (1 of 4 stars; one submission).

Conditions:
Schimke immuno-osseous dysplasia (SIOD). Also called: Schimke Immunoosseous Dysplasia. Identifiers: Orphanet 1830, MedGen C0877024, MONDO:0009458, OMIM 242900.

Submission:

Labcorp Genetics (formerly Invitae), Labcorp
Classification: Uncertain significance for Schimke immuno-osseous dysplasia. Last evaluated: 2022-02-24. Review status: criteria provided, single submitter. Criteria: Invitae Variant Classification Sherloc (09022015). Collection method: clinical testing. Allele origin: germline.
Comment: Algorithms developed to predict the effect of missense changes on protein structure and function are either unavailable or do not agree on the potential impact of this missense change (SIFT: "Tolerated"; PolyPhen-2: "Possibly Damaging"; Align-GVGD: "Class C0"). In summary, the available evidence is currently insufficient to determine the role of this variant in disease. Therefore, it has been classified as a Variant of Uncertain Significance. ClinVar contains an entry for this variant (Variation ID: 662879). This variant has not been reported in the literature in individuals affected with SMARCAL1-related conditions. This variant is not present in population databases (gnomAD no frequency). This sequence change replaces valine, which is neutral and non-polar, with leucine, which is neutral and non-polar, at codon 485 of the SMARCAL1 protein (p.Val485Leu).